The following is an entry in ClinVar:

ClinVar aggregate classification (germline): Uncertain significance (1 of 4 stars; one submission).

Conditions:
BAZ2B-related disorder. Also called: BAZ2B-related condition.

gnomAD v4.1: 1 of 1,613,998 alleles (0.000062%); highest among the groups gnomAD compares: Non-Finnish European, 0.000085%; no homozygotes.

Submission:

PreventionGenetics, part of Exact Sciences
Classification: Uncertain significance for BAZ2B-related condition. Last evaluated: 2025-12-04. Review status: criteria provided, single submitter. Criteria: ACMG Guidelines, 2015. Collection method: clinical testing. Allele origin: germline.
Comment: The BAZ2B c.4033C>G variant is predicted to result in the amino acid substitution p.Arg1345Gly. To our knowledge, this variant has not been reported in the literature or in a large population database (gnomAD), indicating this variant is rare. At this time, the clinical significance of this variant is uncertain due to the absence of conclusive functional and genetic evidence.

NM_013450.4(BAZ2B):c.4141C>G (p.Arg1381Gly)

Gene: BAZ2B (bromodomain adjacent to zinc finger domain 2B; minus strand). Cytogenetic location: 2q24.2.
Variant type: single nucleotide variant.
Coding change: c.4141C>G on transcript NM_013450.4 (MANE Select); coding-DNA position 4141, C replaced by G.
Protein change: p.Arg1381Gly; replaces arginine 1381 with glycine.
Molecular consequence: missense variant.
Genome position (GRCh38, 1-based): chr2:159,373,117, G>C on the plus strand (C>G on the coding strand, the complement: BAZ2B is on the minus strand). VCF-style: chr2-159373117-G-C. GRCh37 (hg19) VCF-style: chr2-160229628-G-C.
Other names: c.4033C>G, p.Arg1345Gly (NM_001289975.1); c.3979C>G, p.Arg1327Gly (NM_001329857.2); c.4066C>G, p.Arg1356Gly (NM_001329858.2); short protein forms R1381G, R1327G, R1345G, R1356G.
Identifiers: ClinVar variation 4982058 (VCV004982058.1).
Genomic context (GRCh38, chr2:159,373,117, plus strand): 5'-CCATGCCTTCTACAAAAATCCCCCCACATTGGGGAAGAATCCAGTACCGGCGTCTGTAAC[G>C]ATCTTGGCCAAACATCACTGAACGCAATGAGTGAGACGCATCAAAGAGCTTCCTTCTGTA-3'
Protein context (NP_038478.2, residues 1371-1391): SLRSVMFGQD[Arg1381Gly]YRRRYWILPQ